The following is an entry in ClinVar:

NM_005677.4(COLQ):c.1016T>C (p.Phe339Ser)

Gene: COLQ (collagen like tail subunit of asymmetric acetylcholinesterase; minus strand). Cytogenetic location: 3p25.1.
Variant type: single nucleotide variant.
Coding change: c.1016T>C on transcript NM_005677.4 (MANE Select); coding-DNA position 1016, T replaced by C.
Protein change: p.Phe339Ser; replaces phenylalanine 339 with serine.
Molecular consequence: missense variant.
Genome position (GRCh38, 1-based): chr3:15,456,518, A>G on the plus strand (T>C on the coding strand, the complement: COLQ is on the minus strand). VCF-style: chr3-15456518-A-G. GRCh37 (hg19) VCF-style: chr3-15498025-A-G.
Other names: c.986T>C, p.Phe329Ser (NM_080538.2); c.914T>C, p.Phe305Ser (NM_080539.4); short protein forms F339S, F305S, F329S.
Identifiers: ClinVar variation 970410 (VCV000970410.9), dbSNP rs2062027386, ClinGen allele CA351596891.

ClinVar aggregate classification (germline): Uncertain significance (1 of 4 stars; one submission).

Conditions:
Congenital myasthenic syndrome 5. Identifiers: Orphanet 590, MedGen C1864233, MONDO:0011281, OMIM 603034.

Allele frequency attached by ClinVar (database versions not stated): gnomAD exomes below 0.00001.

Submission:

Labcorp Genetics (formerly Invitae), Labcorp
Classification: Uncertain significance for Congenital myasthenic syndrome 5. Last evaluated: 2019-11-03. Review status: criteria provided, single submitter. Criteria: Invitae Variant Classification Sherloc (09022015). Collection method: clinical testing. Allele origin: germline.
Comment: This sequence change replaces phenylalanine with serine at codon 339 of the COLQ protein (p.Phe339Ser). The phenylalanine residue is highly conserved and there is a large physicochemical difference between phenylalanine and serine. This variant is not present in population databases (ExAC no frequency). This variant has not been reported in the literature in individuals with COLQ-related conditions. Algorithms developed to predict the effect of missense changes on protein structure and function are either unavailable or do not agree on the potential impact of this missense change (SIFT: "Deleterious"; PolyPhen-2: "Not Available"; Align-GVGD: "Class C0"). In summary, the available evidence is currently insufficient to determine the role of this variant in disease. Therefore, it has been classified as a Variant of Uncertain Significance.